The following is an entry in ClinVar:

NM_001243133.2(NLRP3):c.1429A>G (p.Asn477Asp)

Gene: NLRP3 (NLR family pyrin domain containing 3; plus strand). Cytogenetic location: 1q44.
Variant type: single nucleotide variant.
Coding change: c.1429A>G on transcript NM_001243133.2 (MANE Select); coding-DNA position 1429, A replaced by G.
Protein change: p.Asn477Asp; replaces asparagine 477 with aspartic acid.
Molecular consequence: missense variant.
Genome position (GRCh38, 1-based): chr1:247,424,878, A>G. VCF-style: chr1-247424878-A-G. GRCh37 (hg19) VCF-style: chr1-247588180-A-G.
Other names: c.1429A>G, p.Asn477Asp (NM_001079821.3, NM_001127461.3, NM_001127462.3 and 1 more transcripts); c.1435A>G, p.Asn479Asp (NM_004895.5); short protein forms N477D, N479D.
Identifiers: ClinVar variation 3252910 (VCV003252910.1), dbSNP rs2527270577.

ClinVar aggregate classification (germline): Uncertain significance (1 of 4 stars; one submission).

Submission:

GeneDx
Classification: Uncertain significance. Last evaluated: 2023-06-15. Review status: criteria provided, single submitter. Criteria: GeneDx Variant Classification Process June 2021. Collection method: clinical testing. Allele origin: germline. Affected: yes.
Comment: In silico analysis supports that this missense variant does not alter protein structure/function; Has not been previously published as pathogenic or benign to our knowledge; Also known as p.(N477D); This variant is associated with the following publications: (PMID: 19302049)